The following is an entry in ClinVar:

NM_000136.3(FANCC):c.834T>G (p.Asp278Glu)

Genes: AOPEP (aminopeptidase O (putative); plus strand), FANCC (FA complementation group C; minus strand). Cytogenetic location: 9q22.32.
Variant type: single nucleotide variant.
Coding change: c.834T>G on transcript NM_000136.3 (MANE Select); coding-DNA position 834, T replaced by G.
Protein change: p.Asp278Glu; replaces aspartic acid 278 with glutamic acid.
Molecular consequence: missense variant.
Genome position (GRCh38, 1-based): chr9:95,135,355, A>C on the plus strand (T>G on the coding strand, the complement: FANCC is on the minus strand). VCF-style: chr9-95135355-A-C. GRCh37 (hg19) VCF-style: chr9-97897637-A-C.
Other names: c.834T>G, p.Asp278Glu (NM_001243743.2, NM_001243744.2); short protein forms D278E.
Identifiers: ClinVar variation 3848332 (VCV003848332.1).

ClinVar aggregate classification (germline): Uncertain significance (1 of 4 stars; one submission).

Conditions:
Hereditary cancer-predisposing syndrome. Also called: Hereditary neoplastic syndrome; Neoplastic Syndromes, Hereditary; Tumor predisposition; Hereditary Cancer Syndrome. Identifiers: Orphanet 140162, MedGen C0027672, MeSH D009386, MONDO:0015356.

gnomAD v4.1: 15 of 1,614,022 alleles (0.00093%); highest among the groups gnomAD compares: Non-Finnish European, 0.0012%; no homozygotes.

Submission:

Ambry Genetics
Classification: Uncertain significance for Hereditary cancer-predisposing syndrome. Last evaluated: 2024-12-30. Review status: criteria provided, single submitter. Criteria: Ambry Variant Classification Scheme 2023. Collection method: clinical testing. Allele origin: germline.
Comment: The p.D278E variant (also known as c.834T>G), located in coding exon 7 of the FANCC gene, results from a T to G substitution at nucleotide position 834. The aspartic acid at codon 278 is replaced by glutamic acid, an amino acid with highly similar properties. This amino acid position is conserved. In addition, this alteration is predicted to be tolerated by in silico analysis. Based on the available evidence, the clinical significance of this variant remains unclear.